The following is an entry in ClinVar:

ClinVar aggregate classification (germline): Conflicting classifications of pathogenicity. Review status: criteria provided, conflicting classifications (1 of 4 stars). 5 submissions from 5 submitters: Uncertain significance (2); Likely benign (3). Last evaluated 2025-11-22.

Conditions:
Cardiovascular phenotype. Identifiers: MedGen CN230736.
Episodic pain syndrome, familial, 2 (FEPS2). Identifiers: Orphanet 306577, MedGen C3809893, MONDO:0014246, OMIM 615551.
Brugada syndrome. Also called: Sudden unexpected nocturnal death syndrome; Sudden unexplained nocturnal death syndrome; Sudden Unexplained Death Syndrome; Sudden Unexplained Nocturnal Death Syndrome (SUNDS). Identifiers: Orphanet 130, MedGen C1142166, MONDO:0015263.

Allele frequency attached by ClinVar (database versions not stated): gnomAD exomes 0.00005 and 0.00009; ExAC 0.00011; gnomAD 0.00029 and 0.00032; TOPMed 0.00035; ESP Exome Variant Server 0.00038.
gnomAD v4.1: 119 of 1,592,490 alleles (0.0075%); highest among the groups gnomAD compares: African/African-American, 0.11%; no homozygotes.

Submissions (5):

Labcorp Genetics (formerly Invitae), Labcorp
Classification: Likely benign for Brugada syndrome. Last evaluated: 2025-11-22. Review status: criteria provided, single submitter. Criteria: Invitae Variant Classification Sherloc (09022015). Collection method: clinical testing. Allele origin: germline.

GeneDx
Classification: Uncertain significance. Last evaluated: 2025-07-07. Review status: criteria provided, single submitter. Criteria: GeneDx Variant Classification Process June 2021. Collection method: clinical testing. Allele origin: germline. Affected: yes.
Comment: Reported in association with Brugada syndrome (PMID: 24998131, 26220970); In silico analysis suggests that this missense variant does not alter protein structure/function; This variant is associated with the following publications: (PMID: 27711072, 30821013, 26220970, 24998131, 33797273)

Women's Health and Genetics/Laboratory Corporation of America, LabCorp
Classification: Likely benign. Last evaluated: 2025-05-23. Review status: criteria provided, single submitter. Criteria: LabCorp Variant Classification Summary - May 2015. Collection method: clinical testing. Allele origin: germline.
Comment: Variant summary: SCN10A c.1858G>A (p.Val620Ile) results in a conservative amino acid change in the encoded protein sequence. Algorithms developed to predict the effect of missense changes on protein structure and function are either unavailable or do not agree on the potential impact of this missense change. The variant allele was found at a frequency of 7.5e-05 in 1592490 control chromosomes, predominantly at a frequency of 0.0011 within the African or African-American subpopulation in the gnomAD database (v4.1). The observed variant frequency within African or African-American control individuals in the gnomAD database exceeds the estimated maximal expected allele frequency for a pathogenic variant in SCN10A causing SCN10A-Related Disorders phenotype. c.1858G>A has been observed in individuals affected with Brugada syndrome without cosegregation information (e.g. Di Resta_2015, Tambi_2021). These reports do not provide unequivocal conclusions about association of the variant with SCN10A-Related Disorders. To our knowledge, no experimental evidence demonstrating an impact on protein function has been reported. The following publications have been ascertained in the context of this evaluation (PMID: 26220970, 33797273). ClinVar contains an entry for this variant (Variation ID: 407745). Based on the evidence outlined above, the variant was classified as likely benign.

Fulgent Genetics
Classification: Uncertain significance for Episodic pain syndrome, familial, 2. Last evaluated: 2021-09-14. Review status: criteria provided, single submitter. Criteria: ACMG Guidelines, 2015. Collection method: clinical testing. Allele origin: unknown.

Ambry Genetics
Classification: Likely benign for Cardiovascular phenotype. Last evaluated: 2021-01-14. Review status: criteria provided, single submitter. Criteria: Ambry Variant Classification Scheme 2023. Collection method: clinical testing. Allele origin: germline.

Literature cited by the submitters: PubMed 26220970 (cited by Women's Health and Genetics/Laboratory Corporation of America, LabCorp and Ambry Genetics); PubMed 33797273 (cited by Women's Health and Genetics/Laboratory Corporation of America, LabCorp); PubMed 24998131 (cited by Ambry Genetics); PubMed 30821013 (cited by Ambry Genetics).

NM_006514.4(SCN10A):c.1858G>A (p.Val620Ile)

Gene: SCN10A (sodium voltage-gated channel alpha subunit 10; minus strand). Cytogenetic location: 3p22.2.
Variant type: single nucleotide variant.
Coding change: c.1858G>A on transcript NM_006514.4 (MANE Select); coding-DNA position 1858, G replaced by A.
Protein change: p.Val620Ile; replaces valine 620 with isoleucine.
Molecular consequence: missense variant.
Genome position (GRCh38, 1-based): chr3:38,750,082, C>T on the plus strand (G>A on the coding strand, the complement: SCN10A is on the minus strand). VCF-style: chr3-38750082-C-T. GRCh37 (hg19) VCF-style: chr3-38791573-C-T.
Other names: c.1858G>A, p.Val620Ile (NM_001293306.2); c.1564G>A, p.Val522Ile (NM_001293307.2); short protein forms V620I, V522I.
Identifiers: ClinVar variation 407745 (VCV000407745.16), dbSNP rs151303346, ClinGen allele CA2320730.